The following continues an entry in ClinVar:

NM_001366145.2(TRPM3):c.3004G>A (p.Val1002Met)

Gene: TRPM3. ClinVar aggregate classification (germline): Pathogenic/Likely pathogenic. Pathogenic (11); Likely pathogenic (1).

Submissions 12 to 17 of 17:

Juno Genomics, Hangzhou Juno Genomics, Inc
Classification: Pathogenic for Neurodevelopmental disorder with hypotonia, dysmorphic facies, and skeletal anomalies, with or without seizures. Review status: criteria provided, single submitter. Criteria: ACMG Guidelines, 2015. Collection method: clinical testing. Allele origin: germline. Affected: yes.
Comment: Absent from controls (or at extremely low frequency if recessive) in Genome Aggregation Database, Exome Sequencing Project, 1000 Genomes Project, or Exome Aggregation Consortium.;Multiple lines of computational evidence support a deleterious effect on the gene or gene product (conservation, evolutionary, splicing impact, etc).;Missense variant in a gene that has a low rate of benign missense variation and where missense variants are a common mechanism of disease.;The prevalence of the variant in affected individuals is significantly increased compared to the prevalence in controls.;Assumed de novo, but without confirmation of paternity and maternity.;Patient's phenotype or family history is highly specific for a disease with a single genetic etiology.

OMIM
Classification: Pathogenic for NEURODEVELOPMENTAL DISORDER WITH HYPOTONIA, DYSMORPHIC FACIES, AND SKELETAL ANOMALIES, WITH OR WITHOUT SEIZURES. Last evaluated: 2023-08-02. Review status: no assertion criteria provided. Collection method: literature only. Allele origin: germline. Not counted in ClinVar's aggregate classification.

Broad Center for Mendelian Genomics, Broad Institute of MIT and Harvard
Classification: Pathogenic for Mulibrey nanism syndrome. Last evaluated: 2020-11-16. Review status: no assertion criteria provided. Collection method: curation. Allele origin: germline. Inheritance: Autosomal dominant inheritance. Not counted in ClinVar's aggregate classification.
Comment: Trio genome analysis showed this variant to be de novo. The variant has been reported in 7 individuals with intellectual disability and epilepsy (PMID: 31278393), and was absent from large population studies. This variant was found to be de novo in all 7 individuals with confirmed paternity and maternity (PMID: 31278393), and has also been reported in ClinVar (Variation ID: 585073) and interpreted as pathogenic by department of pediatrics, University of Ottawa, and as uncertain significance by OMIM, and CeGaT Praxis fuer Humangenetik Tuebingen. Computational prediction tools and conservation analyses suggest that this variant may impact the protein, though this information is not predictive enough to determine pathogenicity. The number of missense variants reported in TRPM3 in the general population is lower than expected, suggesting there is little benign variation in this gene and slightly increasing the possibility that a missense variant in this gene may not be tolerated. In summary, this variant meets criteria to be classified as pathogenic for autosomal dominant intellectual disability and epilepsy. ACMG/AMP Criteria applied: PS2_verystrong, PM2, PS4_moderate, PP2, PP3 (Richards 2015).

Department of Pediatrics, University of Ottawa
Classification: Pathogenic for Seizure; Global developmental delay. Last evaluated: 2019-03-26. Review status: no assertion criteria provided. Collection method: clinical testing. Allele origin: de novo. Inheritance: Autosomal dominant inheritance. Affected: yes. Observed: 6 variant alleles, 6 heterozygotes. Clinical features observed: Intellectual disability (HP:0001249). Not counted in ClinVar's aggregate classification.
Comment: Identified de novo in each of six individuals with epilepsy and developmental delay by whole-exome trio sequencing.

Laboratoire de Génétique Moléculaire, CHU Bordeaux
Classification: Likely pathogenic for Neurodevelopmental disorder with hypotonia, dysmorphic facies, and skeletal anomalies, with or without seizures. Last evaluated: 2020-08-06. Review status: flagged submission. Criteria: ACMG Guidelines, 2015. Collection method: clinical testing. Allele origin: germline. Affected: yes. Not counted in ClinVar's aggregate classification.
ClinVar note: Reason: This record appears to be redundant with a more recent record from the same submitter.
ClinVar note: Notes: SCV003836707 appears to be redundant with SCV001161767.

Laboratoire de Génétique Moléculaire, CHU Bordeaux
Classification: Pathogenic. Review status: flagged submission. Criteria: ACMG Guidelines, 2015. Collection method: clinical testing. Allele origin: germline. Affected: yes. Not counted in ClinVar's aggregate classification.
ClinVar note: Reason: This record appears to be redundant with a more recent record from the same submitter.
ClinVar note: Notes: SCV002568855 appears to be redundant with SCV003836707.

Literature cited by the submitters: PubMed 31278393 (cited by 4 submitters); PubMed 32427099 (cited by Victorian Clinical Genetics Services, Murdoch Childrens Research Institute); PubMed 32439617 (cited by Ambry Genetics and OMIM); PubMed 35146895 (cited by Ambry Genetics and OMIM); PubMed 34438093 (cited by OMIM); PubMed 32343227 (cited by OMIM); PubMed 29539642 (cited by OMIM).